The following is an entry in ClinVar:

ClinVar aggregate classification (germline): Conflicting classifications of pathogenicity. Review status: criteria provided, conflicting classifications (1 of 4 stars). 5 submissions from 5 submitters: Likely pathogenic (1); Uncertain significance (4). Last evaluated 2025-12-29.

Conditions:
Mucopolysaccharidosis type 1. Also called: Mucopolysaccharidosis Type I; IDUA deficiency; MPS I. Identifiers: Orphanet 579, MedGen C0023786, MONDO:0001586.
Hurler syndrome. Also called: MUCOPOLYSACCHARIDOSIS TYPE IH; Severe MPS I (Hurler Syndrome); Gargoylism, Hurler Syndrome. Identifiers: Orphanet 93473, MedGen C0086795, MONDO:0011758, OMIM 607014.
Mucopolysaccharidosis, MPS-I-S. Also called: MPS V; MUCOPOLYSACCHARIDOSIS TYPE V; MUCOPOLYSACCHARIDOSIS TYPE IS; Scheie Syndrome. Identifiers: Orphanet 93474, MedGen C0026708, MONDO:0011760, OMIM 607016.

Allele frequency attached by ClinVar (database versions not stated): gnomAD exomes below 0.00001; ExAC 0.00001.
gnomAD v4.1: 6 of 1,613,154 alleles (0.00037%); highest among the groups gnomAD compares: African/African-American, 0.0027%; no homozygotes.

Submissions (5):

Myriad Genetics, Inc.
Classification: Uncertain significance for Mucopolysaccharidosis type 1. Last evaluated: 2025-12-29. Review status: criteria provided, single submitter. Criteria: Myriad Autosomal Dominant, Autosomal Recessive and X-Linked Classification Criteria (2023). Collection method: clinical testing. Allele origin: unknown.
Comment: NM_000203.3(IDUA):c.1048A>G(N350D) is a missense variant classified as a variant of uncertain significance in the context of mucopolysaccharidosis type I. N350D has not been observed in cases with relevant disease. Relevant functional assessments of this variant are not available in the literature. N350D has been observed in referenced population frequency databases. In summary, there is insufficient evidence to classify NM_000203.3(IDUA):c.1048A>G(N350D) as pathogenic or benign. Please note: this variant was assessed in the context of healthy population screening.

Diagnostics Services (NGS), CSIR - Centre For Cellular And Molecular Biology
Classification: Likely pathogenic for Mucopolysaccharidosis, MPS-I-S. Last evaluated: 2025-10-07. Review status: criteria provided, single submitter. Criteria: ACMG Guidelines, 2015. Collection method: clinical testing. Allele origin: germline. Affected: yes. Observed: 1 variant allele, 1 homozygote.
Comment: The c.1048A>G variant is not present in publicly available population databases like 1000 Genomes, EVS, Indian Exome Database or our internal database. The variant is present in gnomAD at a low frequency. This variant has been published in a literature and predicted to exert mild/intermediate effect in MPS patients [PMID: 28676128]. It has been previously reported to the ClinVar database (Accession ID: VCV002057398.5) as ‘Uncertain significance’ by three submitters. In-silico pathogenicity prediction programs like SIFT, Polyphen-2, MutationTaster2021, CADD, Varsome, Franklin etc predicted this variant to be likely deleterious however these predictions were not confirmed by published functional studies. This variant is present in a mutational hotspot region of the gene and a different amino acid change in the same codon (Asn350Ile) has been previously observed in affected individuals, published in literature several times and reported to the clinical databases as ‘Pathogenic / Likely Pathogenic’. The variant has been classified as likely pathogenic following the PM1, PM2, PM5, PP3 criteria of ACMG guidelines.

Revvity Omics, Revvity
Classification: Uncertain significance. Last evaluated: 2024-06-10. Review status: criteria provided, single submitter. Criteria: ACMG Guidelines, 2015. Collection method: clinical testing. Allele origin: germline.

Genomic Medicine Center of Excellence, King Faisal Specialist Hospital and Research Centre
Classification: Uncertain significance for Hurler syndrome. Last evaluated: 2024-03-29. Review status: criteria provided, single submitter. Criteria: ACMG Guidelines, 2015. Collection method: clinical testing. Allele origin: germline.

Labcorp Genetics (formerly Invitae), Labcorp
Classification: Uncertain significance for Mucopolysaccharidosis type 1. Last evaluated: 2021-08-31. Review status: criteria provided, single submitter. Criteria: Invitae Variant Classification Sherloc (09022015). Collection method: clinical testing. Allele origin: germline.
Comment: This sequence change replaces asparagine with aspartic acid at codon 350 of the IDUA protein (p.Asn350Asp). The asparagine residue is highly conserved and there is a small physicochemical difference between asparagine and aspartic acid. This variant is present in population databases (rs747827435, ExAC 0.01%). This variant has not been reported in the literature in individuals affected with IDUA-related conditions. Algorithms developed to predict the effect of missense changes on protein structure and function are either unavailable or do not agree on the potential impact of this missense change (SIFT: "Tolerated"; PolyPhen-2: "Possibly Damaging"; Align-GVGD: "Class C0"). In summary, the available evidence is currently insufficient to determine the role of this variant in disease. Therefore, it has been classified as a Variant of Uncertain Significance.

Literature cited by the submitters: PubMed 28676128 (cited by Diagnostics Services (NGS), CSIR - Centre For Cellular And Molecular Biology).

NM_000203.5(IDUA):c.1048A>G (p.Asn350Asp)

Gene: IDUA (alpha-L-iduronidase; plus strand). Cytogenetic location: 4p16.3.
Variant type: single nucleotide variant.
Coding change: c.1048A>G on transcript NM_000203.5 (MANE Select); coding-DNA position 1048, A replaced by G.
Protein change: p.Asn350Asp; replaces asparagine 350 with aspartic acid.
Molecular consequence: missense variant. On other transcripts: non-coding transcript variant (1).
Genome position (GRCh38, 1-based): chr4:1,002,344, A>G. VCF-style: chr4-1002344-A-G. GRCh37 (hg19) VCF-style: chr4-996132-A-G.
Other names: c.652A>G, p.Asn218Asp (NM_001363576.1); short protein forms N218D, N350D.
Identifiers: ClinVar variation 2057398 (VCV002057398.7), dbSNP rs747827435, ClinGen allele CA2802174.